The following is an entry in ClinVar:

ClinVar aggregate classification (germline): Uncertain significance (1 of 4 stars; one submission).

Conditions:
SETX-related disorder. Also called: SETX-related condition; SETX-related disorders. Identifiers: MedGen CN239403.

gnomAD v4.1: 20 of 1,614,216 alleles (0.0012%); highest among the groups gnomAD compares: East Asian, 0.038%; no homozygotes.

Submission:

PreventionGenetics, part of Exact Sciences
Classification: Uncertain significance for SETX-related condition. Last evaluated: 2025-09-23. Review status: criteria provided, single submitter. Criteria: ACMG Guidelines, 2015. Collection method: clinical testing. Allele origin: germline.
Comment: The SETX c.6422A>G variant is predicted to result in the amino acid substitution p.Gln2141Arg. This variant was reported as a variant of uncertain significance in an individual with amyotrophic lateral sclerosis; however, additional support for pathogenicity was not provided (Supp. Table 1, Hu et al. 2024. PubMed ID: 37952009). This variant is reported in 0.13% of alleles in individuals of East Asian descent in gnomAD. Although we suspect that this variant may be benign, at this time, the clinical significance of this variant is uncertain due to the absence of conclusive functional and genetic evidence.

NM_015046.7(SETX):c.6422A>G (p.Gln2141Arg)

Gene: SETX (senataxin; minus strand). Cytogenetic location: 9q34.13.
Variant type: single nucleotide variant.
Coding change: c.6422A>G on transcript NM_015046.7 (MANE Select); coding-DNA position 6422, A replaced by G.
Protein change: p.Gln2141Arg; replaces glutamine 2141 with arginine.
Molecular consequence: missense variant.
Genome position (GRCh38, 1-based): chr9:132,283,388, T>C on the plus strand (A>G on the coding strand, the complement: SETX is on the minus strand). VCF-style: chr9-132283388-T-C. GRCh37 (hg19) VCF-style: chr9-135158775-T-C.
Other names: c.6422A>G, p.Gln2141Arg (NM_001351527.2, NM_001351528.2); short protein forms Q2141R.
Identifiers: ClinVar variation 4979072 (VCV004979072.1).
Genomic context (GRCh38, chr9:132,283,388, plus strand): 5'-AAACCACCACTTGTGCTCAACGTGCAGCAGATGATATGGGACTCTAAGATGATGATACTC[T>C]GTGTTTTCTGTGGGCGTCCTTGAACCTAAGAGAACAAAGGTTAAATCAATATTCAGCTGT-3'
Protein context (NP_055861.3, residues 2131-2151): KEVQGRPQKT[Gln2141Arg]SIIILESHII